The following is an entry in ClinVar:

ClinVar aggregate classification (germline): Uncertain significance. Review status: criteria provided, multiple submitters, no conflicts (2 of 4 stars). 2 submissions from 2 submitters: Uncertain significance (2). Last evaluated 2023-12-12.

Conditions:
Familial hemophagocytic lymphohistiocytosis 3 (FHL3). Also called: UNC13D-Related Familial Hemophagocytic Lymphohistiocytosis (UNC13D-fHLH). Identifiers: Orphanet 540, MedGen C1837174, MONDO:0012146, OMIM 608898.
Inborn genetic diseases. Identifiers: MedGen C0950123, MeSH D030342.

Allele frequency attached by ClinVar (database versions not stated): gnomAD 0.00003 and 0.00004; gnomAD exomes 0.00004 and 0.00008; TOPMed 0.00005; ExAC 0.00007; ESP Exome Variant Server 0.00008.
gnomAD v4.1: 78 of 1,613,868 alleles (0.0048%); highest among the groups gnomAD compares: Non-Finnish European, 0.00059%; no homozygotes.

Submissions (2):

Ambry Genetics
Classification: Uncertain significance for Inborn genetic diseases. Last evaluated: 2023-12-12. Review status: criteria provided, single submitter. Criteria: Ambry Variant Classification Scheme 2023. Collection method: clinical testing. Allele origin: germline.

Labcorp Genetics (formerly Invitae), Labcorp
Classification: Uncertain significance for Familial hemophagocytic lymphohistiocytosis 3. Last evaluated: 2022-09-12. Review status: criteria provided, single submitter. Criteria: Invitae Variant Classification Sherloc (09022015). Collection method: clinical testing. Allele origin: germline.
Comment: This sequence change replaces valine, which is neutral and non-polar, with methionine, which is neutral and non-polar, at codon 533 of the UNC13D protein (p.Val533Met). This variant is present in population databases (rs201663917, gnomAD 0.2%). This variant has not been reported in the literature in individuals affected with UNC13D-related conditions. ClinVar contains an entry for this variant (Variation ID: 843540). Algorithms developed to predict the effect of missense changes on protein structure and function are either unavailable or do not agree on the potential impact of this missense change (SIFT: "Not Available"; PolyPhen-2: "Possibly Damaging"; Align-GVGD: "Not Available"). In summary, the available evidence is currently insufficient to determine the role of this variant in disease. Therefore, it has been classified as a Variant of Uncertain Significance.

NM_199242.3(UNC13D):c.1597G>A (p.Val533Met)

Gene: UNC13D (unc-13 homolog D; minus strand). Cytogenetic location: 17q25.1.
Variant type: single nucleotide variant.
Coding change: c.1597G>A on transcript NM_199242.3 (MANE Select); coding-DNA position 1597, G replaced by A.
Protein change: p.Val533Met; replaces valine 533 with methionine.
Molecular consequence: missense variant.
Genome position (GRCh38, 1-based): chr17:75,835,777, C>T on the plus strand (G>A on the coding strand, the complement: UNC13D is on the minus strand). VCF-style: chr17-75835777-C-T. GRCh37 (hg19) VCF-style: chr17-73831858-C-T.
Other names: short protein forms V533M.
Identifiers: ClinVar variation 843540 (VCV000843540.5), dbSNP rs201663917, ClinGen allele CA8772877.